The following is an entry in ClinVar:

NM_006231.4(POLE):c.3121C>G (p.Arg1041Gly)

Gene: POLE (DNA polymerase epsilon, catalytic subunit; minus strand). Cytogenetic location: 12q24.33.
Variant type: single nucleotide variant.
Coding change: c.3121C>G on transcript NM_006231.4 (MANE Select); coding-DNA position 3121, C replaced by G.
Protein change: p.Arg1041Gly; replaces arginine 1041 with glycine.
Molecular consequence: missense variant.
Genome position (GRCh38, 1-based): chr12:132,659,449, G>C on the plus strand (C>G on the coding strand, the complement: POLE is on the minus strand). VCF-style: chr12-132659449-G-C. GRCh37 (hg19) VCF-style: chr12-133236035-G-C.
Other names: short protein forms R1041G.
Identifiers: ClinVar variation 1727870 (VCV001727870.5), dbSNP rs762140272, ClinGen allele CA387391662.
Genomic context (GRCh38, chr12:132,659,449, plus strand): 5'-CCAGGCGCTTTGCTGTGCTGATGGACGTAGACTTCTGCTCCCCGTAATCTTCCAGCTTCC[G>C]AGACATGGAACGGTTCTCAGAGATGAGCTCGAATAGCTCAGAGTCAGGCATGTTGGCTGC-3'
Protein context (NP_006222.2, residues 1031-1051): ELISENRSMS[Arg1041Gly]KLEDYGEQKS

ClinVar aggregate classification (germline): Uncertain significance. Review status: criteria provided, multiple submitters, no conflicts (2 of 4 stars). 2 submissions from 2 submitters: Uncertain significance (2). Last evaluated 2023-08-09.

Conditions:
Hereditary cancer-predisposing syndrome. Also called: Tumor predisposition; Neoplastic Syndromes, Hereditary; Hereditary Cancer Syndrome; Hereditary neoplastic syndrome. Identifiers: Orphanet 140162, MedGen C0027672, MeSH D009386, MONDO:0015356.

Submissions (2):

Labcorp Genetics (formerly Invitae), Labcorp
Classification: Uncertain significance. Last evaluated: 2023-08-09. Review status: criteria provided, single submitter. Criteria: Invitae Variant Classification Sherloc (09022015). Collection method: clinical testing. Allele origin: germline.
Comment: ClinVar contains an entry for this variant (Variation ID: 1727870). Advanced modeling of protein sequence and biophysical properties (such as structural, functional, and spatial information, amino acid conservation, physicochemical variation, residue mobility, and thermodynamic stability) has been performed at Invitae for this missense variant, however the output from this modeling did not meet the statistical confidence thresholds required to predict the impact of this variant on POLE protein function. In summary, the available evidence is currently insufficient to determine the role of this variant in disease. Therefore, it has been classified as a Variant of Uncertain Significance. This variant has not been reported in the literature in individuals affected with POLE-related conditions. This sequence change replaces arginine, which is basic and polar, with glycine, which is neutral and non-polar, at codon 1041 of the POLE protein (p.Arg1041Gly). This variant is not present in population databases (gnomAD no frequency).

Ambry Genetics
Classification: Uncertain significance for Hereditary cancer-predisposing syndrome. Last evaluated: 2022-04-07. Review status: criteria provided, single submitter. Criteria: Ambry Variant Classification Scheme 2023. Collection method: clinical testing. Allele origin: germline.
Comment: The p.R1041G variant (also known as c.3121C>G), located in coding exon 26 of the POLE gene, results from a C to G substitution at nucleotide position 3121. The arginine at codon 1041 is replaced by glycine, an amino acid with dissimilar properties. This amino acid position is conserved. In addition, the in silico prediction for this alteration is inconclusive. Since supporting evidence is limited at this time, the clinical significance of this alteration remains unclear.